The following is an entry in ClinVar:

ClinVar aggregate classification (germline): Uncertain significance (1 of 4 stars; one submission).

gnomAD v4.1: 2 of 1,589,574 alleles (0.00013%); highest among the groups gnomAD compares: Non-Finnish European, 0.00017%; no homozygotes.

Submission:

CeGaT Center for Human Genetics Tuebingen
Classification: Uncertain significance. Last evaluated: 2026-09-01. Review status: criteria provided, single submitter. Criteria: CeGaT Center For Human Genetics Tuebingen Variant Classification Criteria Version 2. Collection method: clinical testing. Allele origin: germline. Affected: yes. Observed: 1 variant allele.
Comment: CHD8: PM2:Supporting, BP4

NM_001170629.2(CHD8):c.7167T>C (p.Ser2389=)

Gene: CHD8 (chromodomain helicase DNA binding protein 8; minus strand). Cytogenetic location: 14q11.2.
Variant type: single nucleotide variant.
Coding change: c.7167T>C on transcript NM_001170629.2 (MANE Select); coding-DNA position 7167, T replaced by C.
Protein change: p.Ser2389=; no amino-acid change (serine 2389 retained).
Molecular consequence: synonymous variant.
Genome position (GRCh38, 1-based): chr14:21,390,962, A>G on the plus strand (T>C on the coding strand, the complement: CHD8 is on the minus strand). VCF-style: chr14-21390962-A-G. GRCh37 (hg19) VCF-style: chr14-21859121-A-G.
Other names: c.6330T>C, p.Ser2110= (NM_020920.4).
Identifiers: ClinVar variation 5041774 (VCV005041774.1).